The following is an entry in ClinVar:

NM_006796.3(AFG3L2):c.10C>G (p.Arg4Gly)

Gene: AFG3L2 (AFG3 like matrix AAA peptidase subunit 2; minus strand). Cytogenetic location: 18p11.21.
Variant type: single nucleotide variant.
Coding change: c.10C>G on transcript NM_006796.3 (MANE Select); coding-DNA position 10, C replaced by G.
Protein change: p.Arg4Gly; replaces arginine 4 with glycine.
Molecular consequence: missense variant.
Genome position (GRCh38, 1-based): chr18:12,377,073, G>C on the plus strand (C>G on the coding strand, the complement: AFG3L2 is on the minus strand). VCF-style: chr18-12377073-G-C. GRCh37 (hg19) VCF-style: chr18-12377072-G-C.
Other names: short protein forms R4G.
Identifiers: ClinVar variation 3772113 (VCV003772113.13).

ClinVar aggregate classification (germline): Uncertain significance (1 of 4 stars; one submission).

Submission:

CeGaT Center for Human Genetics Tuebingen
Classification: Uncertain significance. Last evaluated: 2024-12-01. Review status: criteria provided, single submitter. Criteria: CeGaT Center For Human Genetics Tuebingen Variant Classification Criteria Version 2. Collection method: clinical testing. Allele origin: germline. Affected: yes. Observed: 1 variant allele.
Comment: AFG3L2: PM2, PP3